The following is an entry in ClinVar:

NM_013247.5(HTRA2):c.36G>T (p.Trp12Cys)

Gene: HTRA2 (HtrA serine peptidase 2; plus strand). Cytogenetic location: 2p13.1.
Variant type: single nucleotide variant.
Coding change: c.36G>T on transcript NM_013247.5 (MANE Select); coding-DNA position 36, G replaced by T.
Protein change: p.Trp12Cys; replaces tryptophan 12 with cysteine.
Molecular consequence: missense variant. On other transcripts: non-coding transcript variant (1).
Genome position (GRCh38, 1-based): chr2:74,530,042, G>T. VCF-style: chr2-74530042-G-T. GRCh37 (hg19) VCF-style: chr2-74757169-G-T.
Other names: c.36G>T, p.Trp12Cys (NM_001321727.1, NM_001321728.1, NM_145074.2); short protein forms W12C.
Identifiers: ClinVar variation 4808092 (VCV004808092.1).

ClinVar aggregate classification (germline): Uncertain significance (1 of 4 stars; one submission).

gnomAD v4.1: 2 of 1,575,350 alleles (0.00013%); highest among the groups gnomAD compares: Non-Finnish European, 0.00017%; no homozygotes.

Submission:

Labcorp Genetics (formerly Invitae), Labcorp
Classification: Uncertain significance. Last evaluated: 2025-06-24. Review status: criteria provided, single submitter. Criteria: Invitae Variant Classification Sherloc (09022015). Collection method: clinical testing. Allele origin: germline.
Comment: This sequence change replaces tryptophan, which is neutral and slightly polar, with cysteine, which is neutral and slightly polar, at codon 12 of the HTRA2 protein (p.Trp12Cys). This variant is not present in population databases (gnomAD no frequency). This variant has not been reported in the literature in individuals affected with HTRA2-related conditions. An algorithm developed to predict the effect of missense changes on protein structure and function outputs the following: PolyPhen-2: "Benign". The cysteine amino acid residue is found in multiple mammalian species, which suggests that this missense change does not adversely affect protein function. In summary, the available evidence is currently insufficient to determine the role of this variant in disease. Therefore, it has been classified as a Variant of Uncertain Significance.